The following is an entry in ClinVar:

ClinVar aggregate classification (germline): Uncertain significance. Review status: criteria provided, multiple submitters, no conflicts (2 of 4 stars). 3 submissions from 3 submitters: Uncertain significance (3). Last evaluated 2025-08-02.

Conditions:
Inborn genetic diseases. Identifiers: MedGen C0950123, MeSH D030342.

Allele frequency attached by ClinVar (database versions not stated): gnomAD 0.00001; gnomAD exomes 0.00001 and 0.00003; TOPMed 0.00001; ExAC 0.00002; ESP Exome Variant Server 0.00008.
gnomAD v4.1: 47 of 1,613,988 alleles (0.0029%); highest among the groups gnomAD compares: Non-Finnish European, 0.0038%; no homozygotes.

Submissions (3):

Labcorp Genetics (formerly Invitae), Labcorp
Classification: Uncertain significance. Last evaluated: 2025-08-02. Review status: criteria provided, single submitter. Criteria: Invitae Variant Classification Sherloc (09022015). Collection method: clinical testing. Allele origin: germline.
Comment: This sequence change replaces isoleucine, which is neutral and non-polar, with threonine, which is neutral and polar, at codon 194 of the SAMD9 protein (p.Ile194Thr). This variant is present in population databases (rs371337736, gnomAD 0.007%). This variant has not been reported in the literature in individuals affected with SAMD9-related conditions. ClinVar contains an entry for this variant (Variation ID: 1445418). Invitae Evidence Modeling of protein sequence and biophysical properties (such as structural, functional, and spatial information, amino acid conservation, physicochemical variation, residue mobility, and thermodynamic stability) has been performed for this missense variant. However, the output from this modeling did not meet the statistical confidence thresholds required to predict the impact of this variant on SAMD9 protein function. In summary, the available evidence is currently insufficient to determine the role of this variant in disease. Therefore, it has been classified as a Variant of Uncertain Significance.

Ambry Genetics
Classification: Uncertain significance for Inborn genetic diseases. Last evaluated: 2024-11-26. Review status: criteria provided, single submitter. Criteria: Ambry Variant Classification Scheme 2023. Collection method: clinical testing. Allele origin: germline.
Comment: The p.I194T variant (also known as c.581T>C), located in coding exon 1 of the SAMD9 gene, results from a T to C substitution at nucleotide position 581. The isoleucine at codon 194 is replaced by threonine, an amino acid with similar properties. This amino acid position is conserved. In addition, this alteration is predicted to be tolerated by in silico analysis. Based on the available evidence, the clinical significance of this variant remains unclear.

GeneDx
Classification: Uncertain significance. Last evaluated: 2024-04-07. Review status: criteria provided, single submitter. Criteria: GeneDx Variant Classification Process June 2021. Collection method: clinical testing. Allele origin: germline. Affected: yes.
Comment: Not observed at significant frequency in large population cohorts (gnomAD); In silico analysis indicates that this missense variant does not alter protein structure/function; Has not been previously published as pathogenic or benign to our knowledge

NM_017654.4(SAMD9):c.581T>C (p.Ile194Thr)

Gene: SAMD9 (sterile alpha motif domain containing 9; minus strand). Cytogenetic location: 7q21.2.
Variant type: single nucleotide variant.
Coding change: c.581T>C on transcript NM_017654.4 (MANE Select); coding-DNA position 581, T replaced by C.
Protein change: p.Ile194Thr; replaces isoleucine 194 with threonine.
Molecular consequence: missense variant.
Genome position (GRCh38, 1-based): chr7:93,105,517, A>G on the plus strand (T>C on the coding strand, the complement: SAMD9 is on the minus strand). VCF-style: chr7-93105517-A-G. GRCh37 (hg19) VCF-style: chr7-92734830-A-G.
Other names: c.581T>C (NM_017654.3); c.581T>C, p.Ile194Thr (NM_001193307.2); short protein forms I194T.
Identifiers: ClinVar variation 1445418 (VCV001445418.8), dbSNP rs371337736, ClinGen allele CA4343112.
Genomic context (GRCh38, chr7:93,105,517, plus strand): 5'-TTCATCTTGACATCCTCTTCTGTGGCTGTTGCTGTATTTGTGAAGGCTTTGAATTCATGT[A>G]TCGGATCAATGAGATTGCCTGGTCCTGTTTCAGGCTGTAGACTAAAATCCAACTTGTAAC-3'
Protein context (NP_060124.2, residues 184-204): ETGPGNLIDP[Ile194Thr]HEFKAFTNTA